The following is an entry in ClinVar:

NM_001903.5(CTNNA1):c.1875C>T (p.Ile625=)

Gene: CTNNA1 (catenin alpha 1; plus strand). Cytogenetic location: 5q31.2.
Variant type: single nucleotide variant.
Coding change: c.1875C>T on transcript NM_001903.5 (MANE Select); coding-DNA position 1875, C replaced by T.
Protein change: p.Ile625=; no amino-acid change (isoleucine 625 retained).
Molecular consequence: synonymous variant.
Genome position (GRCh38, 1-based): chr5:138,925,383, C>T. VCF-style: chr5-138925383-C-T. GRCh37 (hg19) VCF-style: chr5-138261072-C-T.
Other names: c.1782C>T, p.Ile594= (NM_001323986.2); c.765C>T, p.Ile255= (NM_001323987.1, NM_001323988.1, NM_001323989.1 and 17 more transcripts); c.426C>T, p.Ile142= (NM_001324006.1, NM_001324007.1, NM_001324008.1 and 2 more transcripts); c.672C>T, p.Ile224= (NM_001324011.1); c.522C>T, p.Ile174= (NM_001324012.1, NM_001324013.1); c.1875C>T, p.Ile625= (NM_001290307.3, NM_001323982.2, NM_001323983.1 and 2 more transcripts); c.1566C>T, p.Ile522= (NM_001290309.3); c.1506C>T, p.Ile502= (NM_001290310.3).
Identifiers: ClinVar variation 1133881 (VCV001133881.10), dbSNP rs2150295733, ClinGen allele CA446597455.
Genomic context (GRCh38, chr5:138,925,383, plus strand): 5'-CATGGATGAGAATGAGTTTATCGATGCTTCCCGCCTGGTATATGATGGCATCCGGGACAT[C>T]AGGAAAGCAGTGCTGATGATAAGGGTGAGTAACTGCATTTCAGACGTCTTAACAGCTTCT-3'
Protein context (NP_001894.2, residues 615-635): SRLVYDGIRD[Ile625=]RKAVLMIRTP

ClinVar aggregate classification (germline): Benign/Likely benign. Review status: criteria provided, multiple submitters, no conflicts (2 of 4 stars). 2 submissions from 2 submitters: Benign (1); Likely benign (1). Last evaluated 2024-10-14.

Conditions:
Hereditary diffuse gastric adenocarcinoma (HDGC). Also called: DIFFUSE GASTRIC AND LOBULAR BREAST CANCER SYNDROME. Identifiers: Orphanet 26106, MedGen C1708349, MONDO:0007648, OMIM 137215.

Submissions (2):

Myriad Genetics, Inc.
Classification: Benign for Hereditary diffuse gastric adenocarcinoma. Last evaluated: 2024-10-14. Review status: criteria provided, single submitter. Criteria: Myriad Autosomal Dominant, Autosomal Recessive and X-Linked Classification Criteria (2023). Collection method: clinical testing. Allele origin: unknown.
Comment: This variant is considered benign. This variant is a silent/synonymous amino acid change and it is not expected to impact splicing.

Labcorp Genetics (formerly Invitae), Labcorp
Classification: Likely benign. Last evaluated: 2022-02-20. Review status: criteria provided, single submitter. Criteria: Invitae Variant Classification Sherloc (09022015). Collection method: clinical testing. Allele origin: germline.